The following is an entry in ClinVar:

NM_018972.4(GDAP1):c.714G>T (p.Trp238Cys)

Gene: GDAP1 (ganglioside induced differentiation associated protein 1; plus strand). Cytogenetic location: 8q21.11.
Variant type: single nucleotide variant.
Coding change: c.714G>T on transcript NM_018972.4 (MANE Select); coding-DNA position 714, G replaced by T.
Protein change: p.Trp238Cys; replaces tryptophan 238 with cysteine.
Molecular consequence: missense variant. On other transcripts: intron variant (1).
Genome position (GRCh38, 1-based): chr8:74,364,004, G>T. VCF-style: chr8-74364004-G-T. GRCh37 (hg19) VCF-style: chr8-75276239-G-T.
Other names: c.510G>T, p.Trp170Cys (NM_001040875.4); c.387G>T, p.Trp129Cys (NM_001362929.2, NM_001362932.2); c.540G>T, p.Trp180Cys (NM_001362930.2); c.694+951G>T (NM_001362931.2); short protein forms W129C, W170C, W180C, W238C.
Identifiers: ClinVar variation 3902408 (VCV003902408.1).

ClinVar aggregate classification (germline): Uncertain significance (1 of 4 stars; one submission).

Submission:

Women's Health and Genetics/Laboratory Corporation of America, LabCorp
Classification: Uncertain significance. Last evaluated: 2025-05-29. Review status: criteria provided, single submitter. Criteria: LabCorp Variant Classification Summary - May 2015. Collection method: clinical testing. Allele origin: germline.
Comment: Variant summary: GDAP1 c.714G>T (p.Trp238Cys) results in a non-conservative amino acid change in the encoded protein sequence. Algorithms developed to predict the effect of missense changes on protein structure and function all suggest that this variant is likely to be disruptive. The variant was absent in 251444 control chromosomes. The available data on variant occurrences in the general population are insufficient to allow any conclusion about variant significance. To our knowledge, no occurrence of c.714G>T in individuals affected with Charcot-Marie-Tooth disease type 4A and no experimental evidence demonstrating its impact on protein function have been reported. No submitters have cited clinical-significance assessments for this variant to ClinVar. Based on the evidence outlined above, the variant was classified as uncertain significance.